The following is an entry in ClinVar:

NM_002474.3(MYH11):c.1526T>C (p.Ile509Thr)

Gene: MYH11 (myosin heavy chain 11; minus strand). Cytogenetic location: 16p13.11.
Variant type: single nucleotide variant.
Coding change: c.1526T>C on transcript NM_002474.3 (MANE Select); coding-DNA position 1526, T replaced by C.
Protein change: p.Ile509Thr; replaces isoleucine 509 with threonine.
Molecular consequence: missense variant.
Genome position (GRCh38, 1-based): chr16:15,757,876, A>G on the plus strand (T>C on the coding strand, the complement: MYH11 is on the minus strand). VCF-style: chr16-15757876-A-G. GRCh37 (hg19) VCF-style: chr16-15851733-A-G.
Other names: c.1547T>C, p.Ile516Thr (NM_001040113.2, NM_001040114.2); c.1526T>C, p.Ile509Thr (NM_022844.3); short protein forms I509T, I516T.
Identifiers: ClinVar variation 1489229 (VCV001489229.8), dbSNP rs1479218252, ClinGen allele CA394870836.
Genomic context (GRCh38, chr16:15,757,876, plus strand): 5'-GTGCCCCTCACCGGTCGCTCGATGAGCTCGATGCAGGGCTGTAGGTCCAGCCCAAAGTCG[A>G]TGAAGTTCCACTCGATGCCCTCGCGCTGGTACTCCTCCTGCTCCAGGATGAACATGGTGT-3'
Protein context (NP_002465.1, residues 499-519): YQREGIEWNF[Ile509Thr]DFGLDLQPCI

ClinVar aggregate classification (germline): Uncertain significance (1 of 4 stars; one submission).

Conditions:
Aortic aneurysm, familial thoracic 4 (AAT4). Also called: AORTIC ANEURYSM/AORTIC DISSECTION AND PATENT DUCTUS ARTERIOSUS. Identifiers: MedGen C1851504, MONDO:0007568, OMIM 132900.

Allele frequency attached by ClinVar (database versions not stated): TOPMed below 0.00001.

Submission:

Labcorp Genetics (formerly Invitae), Labcorp
Classification: Uncertain significance for Aortic aneurysm, familial thoracic 4. Last evaluated: 2021-07-07. Review status: criteria provided, single submitter. Criteria: Invitae Variant Classification Sherloc (09022015). Collection method: clinical testing. Allele origin: germline.
Comment: This sequence change replaces isoleucine with threonine at codon 516 of the MYH11 protein (p.Ile516Thr). The isoleucine residue is highly conserved and there is a moderate physicochemical difference between isoleucine and threonine. This variant is not present in population databases (ExAC no frequency). This variant has not been reported in the literature in individuals affected with MYH11-related conditions. Algorithms developed to predict the effect of missense changes on protein structure and function are either unavailable or do not agree on the potential impact of this missense change (SIFT: "Deleterious"; PolyPhen-2: "Possibly Damaging"; Align-GVGD: "Class C0"). In summary, the available evidence is currently insufficient to determine the role of this variant in disease. Therefore, it has been classified as a Variant of Uncertain Significance.